The following is an entry in ClinVar:

ClinVar aggregate classification (germline): Uncertain significance (1 of 4 stars; one submission).

Conditions:
GLI2-related disorder. Also called: GLI2-related condition; GLI2-related disorders.

Submission:

PreventionGenetics, part of Exact Sciences
Classification: Uncertain significance for GLI2-related condition. Last evaluated: 2024-12-19. Review status: criteria provided, single submitter. Criteria: ACMG Guidelines, 2015. Collection method: clinical testing. Allele origin: germline.
Comment: The GLI2 c.3803A>C variant is predicted to result in the amino acid substitution p.Gln1268Pro. To our knowledge, this variant has not been reported in the literature or in a large population database (gnomAD), indicating this variant is rare. At this time, the clinical significance of this variant is uncertain due to the absence of conclusive functional and genetic evidence.

NM_001374353.1(GLI2):c.3752A>C (p.Gln1251Pro)

Gene: GLI2 (GLI family zinc finger 2; plus strand). Cytogenetic location: 2q14.2.
Variant type: single nucleotide variant.
Coding change: c.3752A>C on transcript NM_001374353.1 (MANE Select); coding-DNA position 3752, A replaced by C.
Protein change: p.Gln1251Pro; replaces glutamine 1251 with proline.
Molecular consequence: missense variant.
Genome position (GRCh38, 1-based): chr2:120,989,717, A>C. VCF-style: chr2-120989717-A-C. GRCh37 (hg19) VCF-style: chr2-121747293-A-C.
Other names: c.3803A>C, p.Gln1268Pro (NM_001371271.1, NM_005270.5); c.3377A>C, p.Gln1126Pro (NM_001374354.1); short protein forms Q1251P, Q1126P, Q1268P.
Identifiers: ClinVar variation 5000135 (VCV005000135.1).
Genomic context (GRCh38, chr2:120,989,717, plus strand): 5'-GCCAAGTCCACCCCCAGCTGAGCCCCAGCACCATCAGTGGGGCCCTCAACCAGTTCCCCC[A>C]ATCCTGCAGCAACATGCCAGCCAAGCCAGGGCATCTGGGGCACCCTCAGCAGACAGAAGT-3'
Protein context (NP_001361282.1, residues 1241-1261): TISGALNQFP[Gln1251Pro]SCSNMPAKPG